The following is an entry in ClinVar:

ClinVar aggregate classification (germline): Likely pathogenic. Review status: criteria provided, multiple submitters, no conflicts (2 of 4 stars). 2 submissions from 2 submitters: Likely pathogenic (2). Last evaluated 2021-10-05.

Conditions:
Diamond-Blackfan anemia 10 (DBA10). Also called: RPS26-Related Diamond-Blackfan Anemia. Identifiers: Orphanet 124, MedGen C2750080, MONDO:0013217, OMIM 613309.

Submissions (2):

Labcorp Genetics (formerly Invitae), Labcorp
Classification: Likely pathogenic for Diamond-Blackfan anemia 10. Last evaluated: 2021-10-05. Review status: criteria provided, single submitter. Criteria: Invitae Variant Classification Sherloc (09022015). Collection method: clinical testing. Allele origin: germline.
Comment: In summary, the currently available evidence indicates that the variant is pathogenic, but additional data are needed to prove that conclusively. Therefore, this variant has been classified as Likely Pathogenic. Algorithms developed to predict the effect of sequence changes on RNA splicing suggest that this variant may disrupt the consensus splice site. This variant has not been reported in the literature in individuals affected with RPS26-related conditions. This variant is not present in population databases (ExAC no frequency). This sequence change affects a donor splice site in intron 1 of the RPS26 gene. It is expected to disrupt RNA splicing. Variants that disrupt the donor or acceptor splice site typically lead to a loss of protein function (PMID: 16199547), and loss-of-function variants in RPS26 are known to be pathogenic (PMID: 20116044, 23718193).

Revvity Omics, Revvity
Classification: Likely pathogenic for Diamond-Blackfan anemia 10. Last evaluated: 2021-09-10. Review status: criteria provided, single submitter. Criteria: ACMG Guidelines, 2015. Collection method: clinical testing. Allele origin: germline.

Literature cited by the submitters: PubMed 16199547 (cited by Labcorp Genetics (formerly Invitae), Labcorp); PubMed 20116044 (cited by Labcorp Genetics (formerly Invitae), Labcorp); PubMed 23718193 (cited by Labcorp Genetics (formerly Invitae), Labcorp).

NM_001029.5(RPS26):c.3+2T>G

Gene: RPS26 (ribosomal protein S26; plus strand). Cytogenetic location: 12q13.2.
Variant type: single nucleotide variant.
Coding change: c.3+2T>G on transcript NM_001029.5 (MANE Select); the canonical splice donor site of the intron after coding-DNA position 3, T replaced by G.
Molecular consequence: splice donor variant.
Genome position (GRCh38, 1-based): chr12:56,042,171, T>G. VCF-style: chr12-56042171-T-G. GRCh37 (hg19) VCF-style: chr12-56435955-T-G.
Identifiers: ClinVar variation 1325016 (VCV001325016.9), dbSNP rs2136753495, ClinGen allele CA385326245.